The following is an entry in ClinVar:

NM_000372.5(TYR):c.881A>T (p.Glu294Val)

Gene: TYR (tyrosinase; plus strand). Cytogenetic location: 11q14.3.
Variant type: single nucleotide variant.
Coding change: c.881A>T on transcript NM_000372.5 (MANE Select); coding-DNA position 881, A replaced by T.
Protein change: p.Glu294Val; replaces glutamic acid 294 with valine.
Molecular consequence: missense variant.
Genome position (GRCh38, 1-based): chr11:89,191,263, A>T. VCF-style: chr11-89191263-A-T. GRCh37 (hg19) VCF-style: chr11-88924431-A-T.
Other names: short protein forms E294V.
Identifiers: ClinVar variation 2008464 (VCV002008464.4), dbSNP rs1565391875, ClinGen allele CA382035805.

ClinVar aggregate classification (germline): Likely pathogenic (1 of 4 stars; one submission).

gnomAD v4.1: 2 of 1,613,624 alleles (0.00012%); highest among the groups gnomAD compares: Admixed American, 0.0017%; no homozygotes.

Submission:

Labcorp Genetics (formerly Invitae), Labcorp
Classification: Likely pathogenic. Last evaluated: 2022-11-22. Review status: criteria provided, single submitter. Criteria: Invitae Variant Classification Sherloc (09022015). Collection method: clinical testing. Allele origin: germline.
Comment: This variant is not present in population databases (gnomAD no frequency). In summary, the currently available evidence indicates that the variant is pathogenic, but additional data are needed to prove that conclusively. Therefore, this variant has been classified as Likely Pathogenic. This variant disrupts the p.Glu294 amino acid residue in TYR. Other variant(s) that disrupt this residue have been determined to be pathogenic (PMID: 8128955, 10987646). This suggests that this residue is clinically significant, and that variants that disrupt this residue are likely to be disease-causing. Advanced modeling of protein sequence and biophysical properties (such as structural, functional, and spatial information, amino acid conservation, physicochemical variation, residue mobility, and thermodynamic stability) performed at Invitae indicates that this missense variant is expected to disrupt TYR protein function. This variant has not been reported in the literature in individuals affected with TYR-related conditions. This sequence change replaces glutamic acid, which is acidic and polar, with valine, which is neutral and non-polar, at codon 294 of the TYR protein (p.Glu294Val).

Literature cited by the submitters: PubMed 8128955; PubMed 10987646.